The following is an entry in ClinVar:

ClinVar aggregate classification (germline): Uncertain significance. Review status: criteria provided, single submitter (1 of 4 stars). 2 submissions from 1 submitter: Uncertain significance (2). Last evaluated 2025-03-04.

Conditions:
Cognitive impairment with or without cerebellar ataxia (CIAT). Identifiers: MedGen C3280415, MONDO:0013680, OMIM 614306.
Developmental and epileptic encephalopathy, 13 (DEE13). Also called: Developmental and Epileptic Encephalopathy (SCN8A-DEE); Early infantile epileptic encephalopathy 13; SCN8A-Related Epilepsy. Identifiers: Orphanet 442835, MedGen C3281191, MONDO:0013801, OMIM 614558.

Submissions (2):

Institute of Human Genetics, University of Leipzig Medical Center
Classification: Uncertain significance for Cognitive impairment with or without cerebellar ataxia. Last evaluated: 2025-03-04. Review status: criteria provided, single submitter. Criteria: ACMG Guidelines, 2015. Collection method: clinical testing. Allele origin: unknown. Inheritance: Autosomal dominant inheritance. Affected: yes.
Comment: Criteria applied: PM2,PP3

Institute of Human Genetics, University of Leipzig Medical Center
Classification: Uncertain significance for Developmental and epileptic encephalopathy, 13. Last evaluated: 2024-07-19. Review status: criteria provided, single submitter. Criteria: ACMG Guidelines, 2015. Collection method: clinical testing. Allele origin: unknown. Inheritance: Autosomal dominant inheritance. Affected: yes.
Comment: Criteria applied: PM2_MOD,PP3

NM_001330260.2(SCN8A):c.3312_3372+4dup

Gene: SCN8A (sodium voltage-gated channel alpha subunit 8; plus strand). Cytogenetic location: 12q13.13.
Variant type: Duplication.
Coding change: c.3312_3372+4dup on transcript NM_001330260.2 (MANE Select); coding-DNA position 3312 through 4 bases into the intron after coding-DNA position 3372, 65 bases duplicated.
Molecular consequence: splice donor variant.
Genome position (GRCh38, 1-based): chr12:51,769,275-51,769,339, 65 bases duplicated. GRCh37 (hg19): chr12:52,163,059-52,163,123.
Other names: c.3372+4_3372+5insCTTTGAGAACCTCAACACAGAGGATGTTAGCAGCGAGTCGGATCCTGAAGGCAGCAAAGATGTAA (NM_014191.4); c.3312_3372+4dup (NM_001369788.1, NM_014191.4, NM_001177984.3).
Identifiers: ClinVar variation 3359005 (VCV003359005.2).